The following is an entry in ClinVar:

ClinVar aggregate classification (germline): Uncertain significance (1 of 4 stars; one submission).

Conditions:
SHROOM4-related disorder. Also called: SHROOM4-related condition.

Allele frequency attached by ClinVar (database versions not stated): TOPMed below 0.00001; gnomAD 0.00001.
gnomAD v4.1: 1 of 1,210,171 alleles (0.000083%); highest among the groups gnomAD compares: East Asian, 0.003%; no homozygotes.

Submission:

PreventionGenetics, part of Exact Sciences
Classification: Uncertain significance for SHROOM4-related condition. Last evaluated: 2023-04-13. Review status: criteria provided, single submitter. Criteria: ACMG Guidelines, 2015. Collection method: clinical testing. Allele origin: germline.
Comment: The SHROOM4 c.2422G>A variant is predicted to result in the amino acid substitution p.Asp808Asn. To our knowledge, this variant has not been reported in the literature or in a large population database, indicating this variant is rare. At this time, the clinical significance of this variant is uncertain due to the absence of conclusive functional and genetic evidence.

NM_020717.5(SHROOM4):c.2422G>A (p.Asp808Asn)

Gene: SHROOM4 (shroom family member 4; minus strand). Cytogenetic location: Xp11.22.
Variant type: single nucleotide variant.
Coding change: c.2422G>A on transcript NM_020717.5 (MANE Select); coding-DNA position 2422, G replaced by A.
Protein change: p.Asp808Asn; replaces aspartic acid 808 with asparagine.
Molecular consequence: missense variant. On other transcripts: non-coding transcript variant (4).
Genome position (GRCh38, 1-based): chrX:50,633,651, C>T on the plus strand (G>A on the coding strand, the complement: SHROOM4 is on the minus strand). VCF-style: chrX-50633651-C-T. GRCh37 (hg19) VCF-style: chrX-50376651-C-T.
Other names: short protein forms D808N.
Identifiers: ClinVar variation 2633843 (VCV002633843.1), dbSNP rs1230117461, ClinGen allele CA413114909.